The following is an entry in ClinVar:

ClinVar aggregate classification (germline): Pathogenic (1 of 4 stars; one submission).

Conditions:
Tuberous sclerosis 2 (TSC2). Identifiers: Orphanet 805, MedGen C1860707, MONDO:0013199, OMIM 613254.

Submission:

Labcorp Genetics (formerly Invitae), Labcorp
Classification: Pathogenic for Tuberous sclerosis 2. Last evaluated: 2019-01-14. Review status: criteria provided, single submitter. Criteria: Invitae Variant Classification Sherloc (09022015). Collection method: clinical testing. Allele origin: germline.
Comment: For these reasons, this variant has been classified as Pathogenic. Loss-of-function variants in TSC2 are known to be pathogenic (PMID: 10205261, 17304050). This variant has not been reported in the literature in individuals with TSC2-related conditions. This variant is not present in population databases (ExAC no frequency). This sequence change creates a premature translational stop signal (p.Gln992Thrfs*14) in the TSC2 gene. It is expected to result in an absent or disrupted protein product.

Literature cited by the submitters: PubMed 10205261; PubMed 17304050.

NM_000548.5(TSC2):c.2972dup (p.Gln992fs)

Gene: TSC2 (TSC complex subunit 2; plus strand). Cytogenetic location: 16p13.3.
Variant type: Duplication.
Coding change: c.2972dup on transcript NM_000548.5 (MANE Select); coding-DNA position 2972, one base duplicated (T; older notation c.2972dupT).
Protein change: p.Gln992fs; shifts the reading frame from glutamine 992.
Molecular consequence: frameshift variant.
Genome position (GRCh38, 1-based): chr16:2,079,037, T duplicated. VCF-style (leftmost placement, unchanged base first): chr16-2079036-A-AT. GRCh37 (hg19) VCF-style: chr16-2129037-A-AT.
Other names: c.2840dup, p.Gln948fs (NM_001077183.3, NM_001370404.1); c.2972dup, p.Gln992fs (NM_001114382.3); c.2732dup, p.Gln912fs (NM_001318827.2); c.2696dup, p.Gln900fs (NM_001318829.2); c.2240dup, p.Gln748fs (NM_001318831.2); c.2873dup, p.Gln959fs (NM_001318832.2); c.2843dup, p.Gln949fs (NM_001363528.2, NM_001370405.1, NM_021055.3); short protein forms Q900fs, Q948fs, Q959fs, Q748fs, Q912fs, Q949fs, Q992fs.
Identifiers: ClinVar variation 854049 (VCV000854049.7), dbSNP rs2089786684, ClinGen allele CA916081784.